The following is an entry in ClinVar:

NM_001365951.3(KIF1B):c.664A>G (p.Thr222Ala)

Gene: KIF1B (kinesin family member 1B; plus strand). Cytogenetic location: 1p36.22.
Variant type: single nucleotide variant.
Coding change: c.664A>G on transcript NM_001365951.3 (MANE Select); coding-DNA position 664, A replaced by G.
Protein change: p.Thr222Ala; replaces threonine 222 with alanine.
Molecular consequence: missense variant.
Genome position (GRCh38, 1-based): chr1:10,268,207, A>G. VCF-style: chr1-10268207-A-G. GRCh37 (hg19) VCF-style: chr1-10328265-A-G.
Other names: c.664A>G, p.Thr222Ala (NM_001365952.1, NM_001365953.1, NM_015074.3 and 1 more transcripts); short protein forms T222A.
Identifiers: ClinVar variation 1754672 (VCV001754672.3), dbSNP rs2521052860, ClinGen allele CA338330392.

ClinVar aggregate classification (germline): Uncertain significance (1 of 4 stars; one submission).

Submission:

Ambry Genetics
Classification: Uncertain significance. Last evaluated: 2025-10-02. Review status: criteria provided, single submitter. Criteria: Ambry Variant Classification Scheme 2023. Collection method: clinical testing. Allele origin: germline.
Comment: The p.T222A variant (also known as c.664A>G), located in coding exon 6 of the KIF1B gene, results from an A to G substitution at nucleotide position 664. The threonine at codon 222 is replaced by alanine, an amino acid with similar properties. This amino acid position is well conserved in available vertebrate species. In addition, this alteration is predicted to be deleterious by in silico analysis. The evidence for this gene-disease relationship is limited; therefore, the clinical significance of this alteration is unclear.